The following is an entry in ClinVar:

NM_004628.5(XPC):c.2796_2797dup (p.His933fs)

Gene: XPC (XPC complex subunit, DNA damage recognition and repair factor; minus strand). Cytogenetic location: 3p25.1.
Variant type: Duplication.
Coding change: c.2796_2797dup on transcript NM_004628.5 (MANE Select); coding-DNA positions 2796 to 2797, 2 bases duplicated (CC; older notation c.2796_2797dupCC).
Protein change: p.His933fs; shifts the reading frame from histidine 933.
Molecular consequence: frameshift variant. On other transcripts: non-coding transcript variant (2).
Genome position (GRCh38, 1-based): chr3:14,145,967-14,145,968, GG duplicated on the plus strand (CC on the coding strand, the reverse complement: XPC is on the minus strand); duplicating any 2 consecutive bases within chr3:14,145,967-14,145,969 gives the same sequence; the c. name uses the placement nearest the transcript's 3' end. VCF-style (leftmost placement, unchanged base first): chr3-14145966-T-TGG. GRCh37 (hg19) VCF-style: chr3-14187466-T-TGG.
Other names: c.2217_2218dup, p.His740fs (NM_001354726.2); c.2790_2791dup, p.His931fs (NM_001354727.2); c.2778_2779dup, p.His927fs (NM_001354729.2); c.2550_2551dup, p.His851fs (NM_001354730.2); short protein forms H927fs, H740fs, H933fs, H851fs, H931fs.
Identifiers: ClinVar variation 5004231 (VCV005004231.1).
Genomic context (GRCh38, chr3:14,145,966, plus strand): 5'-GCAACTGGTGGGTGCCCCTCTAGTGGGCGCTCAGCTCACAGCTGCTCAAATGGGAACAGG[T>TGG]GGGAAGCTGCTGCTTTCTTTTCCCTTTTGGTCTTCTTGGGCCCACCCTTCAGCTTCTGCT-3'

ClinVar aggregate classification (germline): Uncertain significance (1 of 4 stars; one submission).

Conditions:
Xeroderma pigmentosum, group C (XPC). Also called: XERODERMA PIGMENTOSUM III; XP, GROUP C; Xeroderma pigmentosum, complementation group C; XPC-Related Xeroderma Pigmentosum. Identifiers: Orphanet 910, MedGen C2752147, MONDO:0010211, OMIM 278720.

Submission:

Myriad Genetics, Inc.
Classification: Uncertain significance for Xeroderma pigmentosum, group C. Last evaluated: 2025-10-21. Review status: criteria provided, single submitter. Criteria: Myriad Autosomal Dominant, Autosomal Recessive and X-Linked Classification Criteria (2023). Collection method: clinical testing. Allele origin: unknown.
Comment: NM_004628.4(XPC):c.2796_2797dupCC(H933Pfs*15) is a frameshift variant that results in protein elongation classified as a variant of uncertain significance in the context of xeroderma pigmentosum group C. H933Pfs*15 has not been observed in cases with relevant disease. Relevant functional assessments of this variant are not available in the literature. H933Pfs*15 has not been observed in referenced population frequency databases. In summary, there is insufficient evidence to classify NM_004628.4(XPC):c.2796_2797dupCC(H933Pfs*15) as pathogenic or benign. Please note: this variant was assessed in the context of healthy population screening.